The following is an entry in ClinVar:

ClinVar aggregate classification (germline): Benign. Review status: criteria provided, multiple submitters, no conflicts (2 of 4 stars). 2 submissions from 2 submitters: Benign (2). Last evaluated 2016-03-29.

Allele frequency attached by ClinVar (database versions not stated): gnomAD exomes 0.01389 and 0.01495; ExAC 0.01548; gnomAD 0.02337 and 0.02408; 1000 Genomes Project 30x 0.02545; TOPMed 0.02546; 1000 Genomes Project 0.02556; ESP Exome Variant Server 0.02699.
gnomAD v4.1: 24,017 of 1,612,906 alleles (1.5%); highest among the groups gnomAD compares: African/African-American, 5.2%; 276 homozygotes.

Submissions (2):

Laboratory for Molecular Medicine, Mass General Brigham Personalized Medicine
Classification: Benign. Last evaluated: 2016-03-29. Review status: criteria provided, single submitter. Criteria: LMM Criteria. Collection method: clinical testing. Allele origin: germline.
Comment: Variant identified in a genome or exome case(s) and assessed due to predicted null impact of the variant or pathogenic assertions in the literature or databases. Disclaimer: This variant has not undergone full assessment. The following are preliminary notes: MAF

Breakthrough Genomics
Classification: Benign. Review status: criteria provided, single submitter. Criteria: ACMG Guidelines, 2015. Collection method: not provided. Allele origin: germline. Inheritance: Unknown mechanism. Affected: yes.

NM_017576.4(KIF27):c.3054A>G (p.Glu1018=)

Gene: KIF27 (kinesin family member 27; minus strand). Cytogenetic location: 9q21.32.
Variant type: single nucleotide variant.
Coding change: c.3054A>G on transcript NM_017576.4 (MANE Select); coding-DNA position 3054, A replaced by G.
Protein change: p.Glu1018=; no amino-acid change (glutamic acid 1018 retained).
Molecular consequence: synonymous variant. On other transcripts: intron variant (2).
Genome position (GRCh38, 1-based): chr9:83,859,252, T>C on the plus strand (A>G on the coding strand, the complement: KIF27 is on the minus strand). VCF-style: chr9-83859252-T-C. GRCh37 (hg19) VCF-style: chr9-86474167-T-C.
Other names: c.2856A>G, p.Glu952= (NM_001271927.3); c.2763A>G, p.Glu921= (NM_001271928.3); c.1614A>G, p.Glu538= (NM_001354070.2); c.1495-5417A>G (NM_001354071.2); c.2758-5417A>G (NM_001354069.2).
Identifiers: ClinVar variation 403014 (VCV000403014.5), dbSNP rs74436006, ClinGen allele CA5102706.